The following is an entry in ClinVar:

NM_012448.4(STAT5B):c.2005G>A (p.Val669Met)

Gene: STAT5B (signal transducer and activator of transcription 5B; minus strand). Cytogenetic location: 17q21.2.
Variant type: single nucleotide variant.
Coding change: c.2005G>A on transcript NM_012448.4 (MANE Select); coding-DNA position 2005, G replaced by A.
Protein change: p.Val669Met; replaces valine 669 with methionine.
Molecular consequence: missense variant.
Genome position (GRCh38, 1-based): chr17:42,207,630, C>T on the plus strand (G>A on the coding strand, the complement: STAT5B is on the minus strand). VCF-style: chr17-42207630-C-T. GRCh37 (hg19) VCF-style: chr17-40359648-C-T.
Other names: short protein forms V669M.
Identifiers: ClinVar variation 645841 (VCV000645841.9), dbSNP rs1339796170, ClinGen allele CA399575774.

ClinVar aggregate classification (germline): Uncertain significance. Review status: criteria provided, multiple submitters, no conflicts (2 of 4 stars). 2 submissions from 2 submitters: Uncertain significance (2). Last evaluated 2024-07-30.

Conditions:
Inborn genetic diseases. Identifiers: MedGen C0950123, MeSH D030342.
Growth hormone insensitivity with immune dysregulation 1, autosomal recessive. Also called: Laron syndrome with immunodeficiency; GROWTH HORMONE INSENSITIVITY DUE TO POSTRECEPTOR DEFECT; LARON SYNDROME DUE TO POSTRECEPTOR DEFECT; GROWTH HORMONE INSENSITIVITY SYNDROME WITH IMMUNE DYSREGULATION 1, AUTOSOMAL RECESSIVE. Identifiers: Orphanet 220465, MedGen C5435698, MONDO:0100211, OMIM 245590.

Allele frequency attached by ClinVar (database versions not stated): gnomAD exomes below 0.00001; TOPMed below 0.00001; gnomAD 0.00001.
gnomAD v4.1: 4 of 1,613,894 alleles (0.00025%); highest among the groups gnomAD compares: East Asian, 0.0022%; no homozygotes.

Submissions (2):

Ambry Genetics
Classification: Uncertain significance for Inborn genetic diseases. Last evaluated: 2024-07-30. Review status: criteria provided, single submitter. Criteria: Ambry Variant Classification Scheme 2023. Collection method: clinical testing. Allele origin: germline.

Labcorp Genetics (formerly Invitae), Labcorp
Classification: Uncertain significance for Growth hormone insensitivity with immune dysregulation 1, autosomal recessive. Last evaluated: 2020-01-28. Review status: criteria provided, single submitter. Criteria: Invitae Variant Classification Sherloc (09022015). Collection method: clinical testing. Allele origin: germline.
Comment: In summary, the available evidence is currently insufficient to determine the role of this variant in disease. Therefore, it has been classified as a Variant of Uncertain Significance. Algorithms developed to predict the effect of missense changes on protein structure and function are either unavailable or do not agree on the potential impact of this missense change (SIFT: "Deleterious"; PolyPhen-2: "Probably Damaging"; Align-GVGD: "Class C0"). This variant has not been reported in the literature in individuals with STAT5B-related disease. This variant is not present in population databases (ExAC no frequency). This sequence change replaces valine with methionine at codon 669 of the STAT5B protein (p.Val669Met). The valine residue is moderately conserved and there is a small physicochemical difference between valine and methionine.